The following is an entry in ClinVar:

NC_000023.11:g.48902777C>G

Genes: PQBP1 (polyglutamine binding protein 1; plus strand), SLC35A2 (solute carrier family 35 member A2; minus strand). Cytogenetic location: Xp11.23.
Variant type: single nucleotide variant.
Molecular consequence: nonsense (on NM_001032382.2).
Genome position: GRCh38 VCF-style: chrX-48902777-C-G. GRCh37 (hg19) VCF-style: chrX-48760054-C-G.
Other names: c.623C>G, p.Ser208Ter (NM_001032381.2, NM_001032382.2, NM_001032383.2 and 2 more transcripts); c.620C>G, p.Ser207Ter (NM_001167989.2); c.599C>G, p.Ser200Ter (NM_001167990.2); c.323C>G, p.Ser108Ter (NM_001167992.1); c.338C>G, p.Ser113Ter (NM_144495.3); short protein forms S108*, S113*, S200*, S207*, S208*.
Identifiers: ClinVar variation 3360559 (VCV003360559.1).
Genomic context (GRCh38, chrX:48,902,777, plus strand): 5'-CTGCCACTTCCACAGCAGTAAGCCGAAAGGATGAAGAGTTAGACCCCATGGACCCTAGCT[C>G]ATACTCAGACGCCCCCCGGTAAGTGACAACCCCTCTTGACTCAGTACGTGGACACCATCC-3'

ClinVar aggregate classification (germline): Likely pathogenic (1 of 4 stars; one submission).

Submission:

GeneDx
Classification: Likely pathogenic. Last evaluated: 2024-10-08. Review status: criteria provided, single submitter. Criteria: GeneDx Variant Classification Process June 2021. Collection method: clinical testing. Allele origin: germline. Affected: yes.
Comment: Nonsense variant predicted to result in protein truncation, as the last 58 amino acids are lost, and other loss-of-function variants have been reported downstream in HGMD; Not observed at significant frequency in large population cohorts (gnomAD); Has not been previously published as pathogenic or benign to our knowledge